The following is an entry in ClinVar:

ClinVar aggregate classification (germline): Pathogenic (1 of 4 stars; one submission).

Conditions:
Rhabdoid tumor predisposition syndrome 2 (RTPS2). Identifiers: Orphanet 231108, Orphanet 69077, MedGen C2750074, MONDO:0013224, OMIM 613325.

Submission:

Labcorp Genetics (formerly Invitae), Labcorp
Classification: Pathogenic for Rhabdoid tumor predisposition syndrome 2. Last evaluated: 2023-03-31. Review status: criteria provided, single submitter. Criteria: Invitae Variant Classification Sherloc (09022015). Collection method: clinical testing. Allele origin: germline.
Comment: This variant is not present in population databases (gnomAD no frequency). This variant has not been reported in the literature in individuals affected with SMARCA4-related conditions. For these reasons, this variant has been classified as Pathogenic. This sequence change creates a premature translational stop signal (p.Gln375*) in the SMARCA4 gene. It is expected to result in an absent or disrupted protein product. Loss-of-function variants in SMARCA4 are known to be pathogenic (PMID: 24658001, 24658002).

Literature cited by the submitters: PubMed 24658001; PubMed 24658002.

NM_003072.5(SMARCA4):c.1123C>T (p.Gln375Ter)

Gene: SMARCA4 (SWI/SNF related BAF chromatin remodeling complex subunit ATPase 4; plus strand). Cytogenetic location: 19p13.2.
Variant type: single nucleotide variant.
Coding change: c.1123C>T on transcript NM_003072.5 (MANE Select); coding-DNA position 1123, C replaced by T.
Protein change: p.Gln375Ter; replaces glutamine 375 with a stop codon.
Molecular consequence: nonsense. On other transcripts: non-coding transcript variant (1).
Genome position (GRCh38, 1-based): chr19:10,989,321, C>T. VCF-style: chr19-10989321-C-T. GRCh37 (hg19) VCF-style: chr19-11099997-C-T.
Other names: c.1123C>T, p.Gln375Ter (NM_001128844.3, NM_001128845.2, NM_001128846.2 and 6 more transcripts); short protein forms Q375*.
Identifiers: ClinVar variation 2851113 (VCV002851113.3), dbSNP rs2145846572, ClinGen allele CA404059353.
Genomic context (GRCh38, chr19:10,989,321, plus strand): 5'-TAACTGGGTGCCCTGGCAACCCTCTCACCGCCTTTGCTCCTTGTCTCTGCTCCCAGGCTG[C>T]AGGCTCGCATCGCACACCGAATTCAGGAACTTGAAAACCTTCCCGGGTCCCTGGCCGGGG-3'